The following is an entry in ClinVar:

NM_173354.5(SIK1):c.1355C>T (p.Pro452Leu)

Gene: SIK1 (salt inducible kinase 1; minus strand). Cytogenetic location: 21q22.3.
Variant type: single nucleotide variant.
Coding change: c.1355C>T on transcript NM_173354.5 (MANE Select); coding-DNA position 1355, C replaced by T.
Protein change: p.Pro452Leu; replaces proline 452 with leucine.
Molecular consequence: missense variant.
Genome position (GRCh38, 1-based): chr21:43,419,128, G>A on the plus strand (C>T on the coding strand, the complement: SIK1 is on the minus strand). VCF-style: chr21-43419128-G-A. GRCh37 (hg19) VCF-style: chr21-44839008-G-A.
Other names: short protein forms P452L.
Identifiers: ClinVar variation 648231 (VCV000648231.13), dbSNP rs1451348781, ClinGen allele CA410608177.

ClinVar aggregate classification (germline): Conflicting classifications of pathogenicity. Review status: criteria provided, conflicting classifications (1 of 4 stars). 2 submissions from 2 submitters: Uncertain significance (1); Likely benign (1). Last evaluated 2025-01-20.

Conditions:
Developmental and epileptic encephalopathy, 30 (DEE30). Also called: Epileptic encephalopathy, early infantile, 30. Identifiers: MedGen C4225360, MONDO:0014595, OMIM 616341.
Inborn genetic diseases. Identifiers: MedGen C0950123, MeSH D030342.

Allele frequency attached by ClinVar (database versions not stated): gnomAD exomes 0.00001.

Submissions (2):

Labcorp Genetics (formerly Invitae), Labcorp
Classification: Likely benign for Developmental and epileptic encephalopathy, 30. Last evaluated: 2025-01-20. Review status: criteria provided, single submitter. Criteria: Invitae Variant Classification Sherloc (09022015). Collection method: clinical testing. Allele origin: germline.

Ambry Genetics
Classification: Uncertain significance for Inborn genetic diseases. Last evaluated: 2018-06-11. Review status: criteria provided, single submitter. Criteria: Ambry Variant Classification Scheme 2023. Collection method: clinical testing. Allele origin: germline.
Comment: The p.P452L variant (also known as c.1355C>T), located in coding exon 10 of the SIK1 gene, results from a C to T substitution at nucleotide position 1355. The proline at codon 452 is replaced by leucine, an amino acid with similar properties. This amino acid position is poorly conserved in available vertebrate species. In addition, this alteration is predicted to be tolerated by in silico analysis. Since supporting evidence is limited at this time, the clinical significance of this alteration remains unclear.